The following is an entry in ClinVar:

ClinVar aggregate classification (germline): Conflicting classifications of pathogenicity. Review status: criteria provided, conflicting classifications (1 of 4 stars). 2 submissions from 2 submitters: Uncertain significance (1); Benign (1). Last evaluated 2025-11-10.

Conditions:
Wilms tumor 1 (WT1). Also called: Wilms tumor, somatic. Identifiers: Orphanet 654, MedGen CN033288, MONDO:0008679, OMIM 194070.

Submissions (2):

Labcorp Genetics (formerly Invitae), Labcorp
Classification: Benign for Wilms tumor 1. Last evaluated: 2025-11-10. Review status: criteria provided, single submitter. Criteria: Invitae Variant Classification Sherloc (09022015). Collection method: clinical testing. Allele origin: germline.

GeneDx
Classification: Uncertain significance. Last evaluated: 2021-05-07. Review status: criteria provided, single submitter. Criteria: GeneDx Variant Classification Process June 2021. Collection method: clinical testing. Allele origin: germline. Affected: yes.
Comment: In-frame insertion in a repetitive region with no known function; Has not been previously published as pathogenic or benign to our knowledge

NM_004484.4(GPC3):c.79CCG[6] (p.Pro31dup)

Gene: GPC3 (glypican 3; minus strand). Cytogenetic location: Xq26.2.
Variant type: Microsatellite.
Coding change: c.79CCG[6] on transcript NM_004484.4 (MANE Select); six copies in a row of the 3-base unit CCG starting at c.79; the reference has five copies in a row; one copy, 3 bases duplicated.
Protein change: p.Pro31dup; duplicates proline 31.
Molecular consequence: inframe insertion.
Genome position (GRCh38, 1-based): chrX:133,985,357-133,985,359, CGG duplicated on the plus strand (CCG on the coding strand, the reverse complement: GPC3 is on the minus strand); duplicating any 3 consecutive bases within chrX:133,985,357-133,985,371 gives the same sequence; the position shown is the placement nearest the transcript's 3' end. VCF-style (leftmost placement, unchanged base first): chrX-133985356-C-CCGG. GRCh37 (hg19) VCF-style: chrX-133119383-C-CCGG.
Other names: c.79CCG[6], p.Pro31dup (NM_001164617.2, NM_001164618.2, NM_001164619.2); c.91_93dupCCG (NM_004484.3).
Identifiers: ClinVar variation 408895 (VCV000408895.14), dbSNP rs749104500, ClinGen allele CA10520889.